The following is an entry in ClinVar:

ClinVar aggregate classification (germline): Uncertain significance (1 of 4 stars; one submission).

Conditions:
Long QT syndrome (LQTS). Identifiers: MedGen C0023976, MeSH D008133, MONDO:0002442. Disease mechanism: loss of function. Inheritance: Various modes of inheritance.

gnomAD v4.1: 1 of 1,609,274 alleles (0.000062%); highest among the groups gnomAD compares: Non-Finnish European, 0.000085%; no homozygotes.

Submission:

Labcorp Genetics (formerly Invitae), Labcorp
Classification: Uncertain significance for Long QT syndrome. Last evaluated: 2025-12-15. Review status: criteria provided, single submitter. Criteria: Invitae Variant Classification Sherloc (09022015). Collection method: clinical testing. Allele origin: germline.
Comment: This sequence change replaces alanine, which is neutral and non-polar, with serine, which is neutral and polar, at codon 779 of the CACNA1C protein (p.Ala779Ser). This variant is not present in population databases (gnomAD no frequency). This variant has not been reported in the literature in individuals affected with CACNA1C-related conditions. ClinVar contains an entry for this variant (Variation ID: 3616738). Invitae Evidence Modeling of protein sequence and biophysical properties (such as structural, functional, and spatial information, amino acid conservation, physicochemical variation, residue mobility, and thermodynamic stability) indicates that this missense variant is not expected to disrupt CACNA1C protein function with a negative predictive value of 95%. In summary, the available evidence is currently insufficient to determine the role of this variant in disease. Therefore, it has been classified as a Variant of Uncertain Significance.

NM_000719.7(CACNA1C):c.2335G>T (p.Ala779Ser)

Gene: CACNA1C (calcium voltage-gated channel subunit alpha1 C; plus strand). Cytogenetic location: 12p13.33.
Variant type: single nucleotide variant.
Coding change: c.2335G>T on transcript NM_000719.7 (MANE Select); coding-DNA position 2335, G replaced by T.
Protein change: p.Ala779Ser; replaces alanine 779 with serine.
Molecular consequence: missense variant.
Genome position (GRCh38, 1-based): chr12:2,584,613, G>T. VCF-style: chr12-2584613-G-T. GRCh37 (hg19) VCF-style: chr12-2693779-G-T.
Other names: c.2335G>T, p.Ala779Ser (NM_001129827.2, NM_001129829.2, NM_001129830.3 and 18 more transcripts); c.2326G>T, p.Ala776Ser (NM_001129844.2); short protein forms A776S, A779S.
Identifiers: ClinVar variation 3616738 (VCV003616738.2).
Genomic context (GRCh38, chr12:2,584,613, plus strand): 5'-GCTGAGAGCCTCACATCTGCCCAAAAGGAGGAGGAAGAGGAGAAGGAGAGAAAGAAGCTG[G>T]CCAGGTAACCCTCTAAGCTTGCCCAGGCCTGGGGCTCCAGGGCTCCCATTGTGGAATGTC-3'
Protein context (NP_000710.5, residues 769-789): EEEEKERKKL[Ala779Ser]RTASPEKKQE